The following is an entry in ClinVar:

NM_001267550.2(TTN):c.2972del (p.Ile991fs)

Gene: TTN (titin; minus strand). Cytogenetic location: 2q31.2.
Variant type: Deletion.
Coding change: c.2972del on transcript NM_001267550.2 (MANE Select); coding-DNA position 2972, one base deleted (T; older notation c.2972delT).
Protein change: p.Ile991fs; shifts the reading frame from isoleucine 991.
Molecular consequence: frameshift variant.
Genome position (GRCh38, 1-based): chr2:178,782,934, A deleted on the plus strand (T on the coding strand, the reverse complement: TTN is on the minus strand). VCF-style (leftmost placement, unchanged base first): chr2-178782933-TA-T. GRCh37 (hg19) VCF-style: chr2-179647660-TA-T.
Other names: c.2972del, p.Ile991fs (NM_001256850.1, NM_133378.4, NM_133379.5); c.2834del, p.Ile945fs (NM_003319.4, NM_133432.3, NM_133437.4); short protein forms I991fs, I945fs.
Identifiers: ClinVar variation 4785817 (VCV004785817.1).

ClinVar aggregate classification (germline): Likely pathogenic (1 of 4 stars; one submission).

Conditions:
Autosomal recessive limb-girdle muscular dystrophy type 2J (LGMDR10). Also called: Limb-girdle muscular dystrophy, type 2J; MUSCULAR DYSTROPHY, LIMB-GIRDLE, AUTOSOMAL RECESSIVE 10. Identifiers: Orphanet 140922, MedGen C1837342, MONDO:0012127, OMIM 608807.
Dilated cardiomyopathy 1G (CMD1G). Identifiers: Orphanet 154, MedGen C1858763, MONDO:0011400, OMIM 604145.

Submission:

Labcorp Genetics (formerly Invitae), Labcorp
Classification: Likely pathogenic for Dilated cardiomyopathy 1G; Autosomal recessive limb-girdle muscular dystrophy type 2J. Last evaluated: 2025-08-09. Review status: criteria provided, single submitter. Criteria: Invitae Variant Classification Sherloc (09022015). Collection method: clinical testing. Allele origin: germline.
Comment: This sequence change creates a premature translational stop signal (p.Ile991Lysfs*11) in the TTN gene. While this is not anticipated to result in nonsense mediated decay, it is expected to create a truncated TTN protein. This variant is not present in population databases (gnomAD no frequency). This variant has not been observed in the literature in individuals with autosomal recessive TTN-related conditions. This variant has been reported in individual(s) with dilated cardiomyopathy (internal data); however, the role of the variant in this condition is currently unclear. This variant is located in the Z band of TTN (PMID: 25589632). Truncating variants in this region have been reported in individuals affected with autosomal recessive centronuclear myopathy (PMID: 33449170, internal data). Truncating variants in this region have also been identified in individuals affected with autosomal dominant dilated cardiomyopathy and/or cardio-related conditions (PMID: 27869827, 32964742, internal data). In summary, the currently available evidence indicates that the variant is pathogenic, but additional data are needed to prove that conclusively. Therefore, this variant has been classified as Likely Pathogenic.

Literature cited by the submitters: PubMed 25589632; PubMed 33449170; PubMed 27869827; PubMed 32964742.